The following continues an entry in ClinVar:

NM_000454.5(SOD1):c.341T>C (p.Ile114Thr)

Gene: SOD1. ClinVar aggregate classification (germline): Pathogenic/Likely pathogenic. Pathogenic (12); Likely pathogenic (1).

Submissions 9 to 14 of 14:

Genetics and Genomic Medicine Centre, NeuroGen Healthcare, NeuroGen Healthcare
Classification: Pathogenic for Spastic tetraplegia and axial hypotonia, progressive. Last evaluated: 2021-04-06. Review status: criteria provided, single submitter. Criteria: Submitter's publication. Collection method: clinical testing. Allele origin: unknown. Affected: no.

Athena Diagnostics
Classification: Pathogenic. Last evaluated: 2020-12-02. Review status: criteria provided, single submitter. Criteria: Athena Diagnostics criteria. Collection method: clinical testing. Allele origin: unknown.
Comment: This variant is statistically more frequent in affected individuals than in the general population and/or healthy controls. This variant has been reported in multiple families with reduced penetrance and variable expressivity of disease. Assessment of experimental evidence suggests this variant results in abnormal protein function. Experiments demonstrate this variant increases protein aggregation (PMID 19483195), as well as accumulation of neurofilaments and mutant SOD1 protein in neuronal cells (PMID 12358759). Computational tools predict that this variant is damaging.

GeneDx
Classification: Pathogenic. Last evaluated: 2020-05-06. Review status: criteria provided, single submitter. Criteria: GeneDx Variant Classification Process June 2021. Collection method: clinical testing. Allele origin: germline. Affected: yes.
Comment: Functional studies demonstrate that the I114T variant results in aberrant interaction between glial and neuronal cells, protein misfolding, as well as accumulation of neurofilaments and mutant SOD1 protein in neuronal cells (Kokubo et al., 1999; Ferri et al., 2004;Ip ei al., 2011 ).; In silico analysis supports that this missense variant has a deleterious effect on protein structure/function; This variant is associated with the following publications: (PMID: 23736301, 10732812, 7643359, 30985904, 28430856, 23280792, 19259395, 15208263, 19483195, 23291526, 10593307, 28089114, 26707039, 25588603, 8446170, 23873540, 23773010, 16423367, 17543992, 30887850, 31579943, 30805795, 21549128, 26362407, 32789025)

Centre for Genomic and Experimental Medicine, University of Edinburgh
Classification: Pathogenic for Motor neuron disease. Last evaluated: 2016-08-31. Review status: criteria provided, single submitter. Criteria: Submitter's publication. Collection method: case-control. Allele origin: unknown. Affected: yes and no. Observed: 19 heterozygotes.

Eurofins Ntd Llc (ga)
Classification: Pathogenic. Last evaluated: 2014-07-28. Review status: criteria provided, single submitter. Criteria: EGL Classification Definitions 2015. Collection method: clinical testing. Allele origin: germline. Observed: 2 variant alleles, 2 heterozygotes.

Solve-RD Consortium
Classification: Likely pathogenic for Spastic tetraplegia and axial hypotonia, progressive. Last evaluated: 2022-06-01. Review status: no assertion criteria provided. Collection method: provider interpretation. Allele origin: inherited. Affected: yes. Not counted in ClinVar's aggregate classification.
Comment: Variant confirmed as disease-causing by referring clinical team

Variant identified during reanalysis of unsolved cases by the Solve-RD project. The Solve-RD project has received funding from the European Union’s Horizon 2020 research and innovation programme under grant agreement No 779257.

Literature cited by the submitters: PubMed 2517465 (cited by Labcorp Genetics (formerly Invitae), Labcorp); PubMed 7673954 (cited by Labcorp Genetics (formerly Invitae), Labcorp and Athena Diagnostics); PubMed 7997024 (cited by Labcorp Genetics (formerly Invitae), Labcorp and Athena Diagnostics); PubMed 17543992 (cited by Labcorp Genetics (formerly Invitae), Labcorp and Mayo Clinic Laboratories, Mayo Clinic); PubMed 1259395 (cited by Labcorp Genetics (formerly Invitae), Labcorp); PubMed 19483195 (cited by 3 submitters); PubMed 21549128 (cited by Labcorp Genetics (formerly Invitae), Labcorp); PubMed 23726301 (cited by Labcorp Genetics (formerly Invitae), Labcorp); PubMed 26362407 (cited by Labcorp Genetics (formerly Invitae), Labcorp); PubMed 32789025 (cited by Clinical Omics and Informatics (COIN) Unit, Neuroscience Institute, University Of Cape Town and Molecular Genetics, Royal Melbourne Hospital); PubMed 12358759 (cited by Clinical Omics and Informatics (COIN) Unit, Neuroscience Institute, University Of Cape Town and Athena Diagnostics); PubMed 28089114 (cited by Clinical Omics and Informatics (COIN) Unit, Neuroscience Institute, University Of Cape Town and Centre for Genomic and Experimental Medicine, University of Edinburgh); PubMed 20184521 (cited by Clinical Omics and Informatics (COIN) Unit, Neuroscience Institute, University Of Cape Town and Athena Diagnostics); PubMed 16291929 (cited by Victorian Clinical Genetics Services, Murdoch Childrens Research Institute); PubMed 28105640 (cited by Victorian Clinical Genetics Services, Murdoch Childrens Research Institute); PubMed 28430856 (cited by 3 submitters); PubMed 34721532 (cited by Victorian Clinical Genetics Services, Murdoch Childrens Research Institute); PubMed 19259395 (cited by 4 submitters); PubMed 10593307 (cited by Mayo Clinic Laboratories, Mayo Clinic); PubMed 15208263 (cited by Mayo Clinic Laboratories, Mayo Clinic); PubMed 16423367 (cited by Mayo Clinic Laboratories, Mayo Clinic); PubMed 23773010 (cited by Mayo Clinic Laboratories, Mayo Clinic and Athena Diagnostics); PubMed 23873540 (cited by Mayo Clinic Laboratories, Mayo Clinic); PubMed 23286750 (cited by Women's Health and Genetics/Laboratory Corporation of America, LabCorp); PubMed 30637102 (cited by Athena Diagnostics); PubMed 28291249 (cited by Athena Diagnostics); PubMed 8069312 (cited by Athena Diagnostics); PubMed 8572658 (cited by Athena Diagnostics); PubMed 18301754 (cited by Athena Diagnostics); PubMed 24439480 (cited by Athena Diagnostics); PubMed 12165567 (cited by Athena Diagnostics); PubMed 17394531 (cited by Athena Diagnostics); PubMed 10400992 (cited by Athena Diagnostics); PubMed 10732812 (cited by Athena Diagnostics); PubMed 15056757 (cited by Athena Diagnostics); PubMed 8446170 (cited by Athena Diagnostics and Eurofins Ntd Llc (ga)); PubMed 8528216 (cited by Athena Diagnostics); PubMed 39825153 (cited by Solve-RD Consortium).